The following is an entry in ClinVar:

ClinVar aggregate classification (germline): Uncertain significance (1 of 4 stars; one submission).

Allele frequency attached by ClinVar (database versions not stated): gnomAD exomes below 0.00001; ExAC 0.00001.
gnomAD v4.1: 2 of 1,610,774 alleles (0.00012%); highest among the groups gnomAD compares: Non-Finnish European, 0.00017%; no homozygotes.

Submission:

GeneDx
Classification: Uncertain significance. Last evaluated: 2022-04-20. Review status: criteria provided, single submitter. Criteria: GeneDx Variant Classification Process June 2021. Collection method: clinical testing. Allele origin: germline. Affected: yes.
Comment: Not observed at significant frequency in large population cohorts (gnomAD); Has not been previously published as pathogenic or benign to our knowledge; In silico analysis supports that this variant does not alter splicing

NM_006516.4(SLC2A1):c.867+6T>C

Gene: SLC2A1 (solute carrier family 2 member 1; minus strand). Cytogenetic location: 1p34.2.
Variant type: single nucleotide variant.
Coding change: c.867+6T>C on transcript NM_006516.4 (MANE Select); 6 bases into the intron after coding-DNA position 867, T replaced by C.
Molecular consequence: intron variant.
Genome position (GRCh38, 1-based): chr1:42,929,587, A>G on the plus strand (T>C on the coding strand, the complement: SLC2A1 is on the minus strand). VCF-style: chr1-42929587-A-G. GRCh37 (hg19) VCF-style: chr1-43395258-A-G.
Identifiers: ClinVar variation 1683913 (VCV001683913.2), dbSNP rs770372457, ClinGen allele CA803447.